The following is an entry in ClinVar:

NM_006015.6(ARID1A):c.4936G>A (p.Val1646Ile)

Gene: ARID1A (AT-rich interaction domain 1A; plus strand). Cytogenetic location: 1p36.11.
Variant type: single nucleotide variant.
Coding change: c.4936G>A on transcript NM_006015.6 (MANE Select); coding-DNA position 4936, G replaced by A.
Protein change: p.Val1646Ile; replaces valine 1646 with isoleucine.
Molecular consequence: missense variant.
Genome position (GRCh38, 1-based): chr1:26,775,163, G>A. VCF-style: chr1-26775163-G-A. GRCh37 (hg19) VCF-style: chr1-27101654-G-A.
Other names: c.4285G>A, p.Val1429Ile (NM_139135.4); short protein forms V1646I, V1429I.
Identifiers: ClinVar variation 5003072 (VCV005003072.1).
Genomic context (GRCh38, chr1:26,775,163, plus strand): 5'-GCACCTGCCCCTGTGCAGCCCCCCATGATTCGGCGGGATATCACCTTCCCACCTGGCTCT[G>A]TTGAAGCCACACAGCCTGTGTTGAAGCAGAGGAGGCGGCTCACAATGAAAGACATTGGTA-3'
Protein context (NP_006006.3, residues 1636-1656): RRDITFPPGS[Val1646Ile]EATQPVLKQR

ClinVar aggregate classification (germline): Uncertain significance (1 of 4 stars; one submission).

Conditions:
Intellectual disability, autosomal dominant 14 (CSS2). Also called: COFFIN-SIRIS SYNDROME 2. Identifiers: Orphanet 1465, MedGen C3553247, MONDO:0013819, OMIM 614607.

Submission:

OLLIN Analises Genomicas, OLLIN
Classification: Uncertain significance for Intellectual disability, autosomal dominant 14. Last evaluated: 2026-08-06. Review status: criteria provided, single submitter. Criteria: ACMG Guidelines 2015 PMID 25741868. Collection method: clinical testing. Allele origin: germline. Inheritance: Autosomal dominant inheritance.
Comment: This missense variant, located in exon 18 (of 20), is absent from gnomAD and ClinVar and has not been identified in the literature. In silico analysis predicts that this variant has a tolerated effect. According to the currently available evidence, this variant has been classified as uncertain significance (PM2_P, BP4_M).